The following is an entry in ClinVar:

ClinVar aggregate classification (germline): Benign/Likely benign. Review status: criteria provided, multiple submitters, no conflicts (2 of 4 stars). 5 submissions from 5 submitters: Benign (1); Likely benign (4). Last evaluated 2025-08-21.

Conditions:
Autosomal dominant Parkinson disease 8. Also called: LRRK2-Related Parkinson Disease; Parkinson disease 8; Parkinson disease 8, susceptibility to. Identifiers: Orphanet 411602, MedGen C1846862, MONDO:0011764, OMIM 607060.

Allele frequency attached by ClinVar (database versions not stated): gnomAD 0.00006 and 0.00009; TOPMed 0.00008; ExAC 0.00031; gnomAD exomes 0.00031.
gnomAD v4.1: 242 of 1,608,588 alleles (0.015%); highest among the groups gnomAD compares: Middle Eastern, 0.26%; 2 homozygotes.

Submissions (5):

Labcorp Genetics (formerly Invitae), Labcorp
Classification: Likely benign for Autosomal dominant Parkinson disease 8. Last evaluated: 2025-08-21. Review status: criteria provided, single submitter. Criteria: Invitae Variant Classification Sherloc (09022015). Collection method: clinical testing. Allele origin: germline.

GeneDx
Classification: Benign. Last evaluated: 2021-04-21. Review status: criteria provided, single submitter. Criteria: GeneDx Variant Classification Process June 2021. Collection method: clinical testing. Allele origin: germline. Affected: yes.
Comment: Reported as c.343A>C due to alternative nomenclature in a patient with Parkinson disease in published literature; however, additional information was not provided (Trinh et al., 2015); In silico analysis supports that this missense variant has a deleterious effect on protein structure/function; This variant is associated with the following publications: (PMID: 26213354)

Department of Pathology and Laboratory Medicine, Sinai Health System
Classification: Likely benign for Autosomal dominant Parkinson disease 8. Last evaluated: 2020-06-09. Review status: criteria provided, single submitter. Criteria: ACMG Guidelines, 2015. Collection method: research. Allele origin: germline.

Illumina Laboratory Services, Illumina
Classification: Likely benign for Autosomal dominant Parkinson disease 8. Last evaluated: 2018-01-12. Review status: criteria provided, single submitter. Criteria: ICSL Variant Classification Criteria 13 December 2019. Collection method: clinical testing. Allele origin: germline.
Comment: This variant was observed in the ICSL laboratory as part of a predisposition screen in an ostensibly healthy population. It had not been previously curated by ICSL or reported in the Human Gene Mutation Database (HGMD: prior to June 1st, 2018), and was therefore a candidate for classification through an automated scoring system. Utilizing variant allele frequency, disease prevalence and penetrance estimates, and inheritance mode, an automated score was calculated to assess if this variant is too frequent to cause the disease. Based on the score and internal cut-off values, a variant classified as likely benign is not then subjected to further curation. The score for this variant resulted in a classification of likely benign for this disease.

Breakthrough Genomics
Classification: Likely benign. Review status: criteria provided, single submitter. Criteria: ACMG Guidelines, 2015. Collection method: not provided. Allele origin: germline. Inheritance: Autosomal dominant inheritance. Affected: yes.

NM_198578.4(LRRK2):c.344A>C (p.His115Pro)

Gene: LRRK2 (leucine rich repeat kinase 2; plus strand). Cytogenetic location: 12q12.
Variant type: single nucleotide variant.
Coding change: c.344A>C on transcript NM_198578.4 (MANE Select); coding-DNA position 344, A replaced by C.
Protein change: p.His115Pro; replaces histidine 115 with proline.
Molecular consequence: missense variant.
Genome position (GRCh38, 1-based): chr12:40,232,380, A>C. VCF-style: chr12-40232380-A-C. GRCh37 (hg19) VCF-style: chr12-40626182-A-C.
Other names: short protein forms H115P.
Identifiers: ClinVar variation 308610 (VCV000308610.19), dbSNP rs201439315, ClinGen allele CA6513051.